The following is an entry in ClinVar:

ClinVar aggregate classification (germline): Uncertain significance. Review status: criteria provided, multiple submitters, no conflicts (2 of 4 stars). 2 submissions from 2 submitters: Uncertain significance (2). Last evaluated 2024-11-24.

Submissions (2):

Labcorp Genetics (formerly Invitae), Labcorp
Classification: Uncertain significance. Last evaluated: 2024-11-24. Review status: criteria provided, single submitter. Criteria: Invitae Variant Classification Sherloc (09022015). Collection method: clinical testing. Allele origin: germline.
Comment: This sequence change replaces alanine, which is neutral and non-polar, with threonine, which is neutral and polar, at codon 355 of the DHX9 protein (p.Ala355Thr). This variant is not present in population databases (gnomAD no frequency). This variant has not been reported in the literature in individuals affected with DHX9-related conditions. An algorithm developed to predict the effect of missense changes on protein structure and function (PolyPhen-2) suggests that this variant is likely to be tolerated. In summary, the available evidence is currently insufficient to determine the role of this variant in disease. Therefore, it has been classified as a Variant of Uncertain Significance.

GeneDx
Classification: Uncertain significance. Last evaluated: 2024-10-24. Review status: criteria provided, single submitter. Criteria: GeneDx Variant Classification Process June 2021. Collection method: clinical testing. Allele origin: germline. Affected: yes.
Comment: Not observed at significant frequency in large population cohorts (gnomAD); In silico analysis indicates that this missense variant does not alter protein structure/function; Has not been previously published as pathogenic or benign to our knowledge

NM_001357.5(DHX9):c.1063G>A (p.Ala355Thr)

Gene: DHX9 (DExH-box helicase 9; plus strand). Cytogenetic location: 1q25.3.
Variant type: single nucleotide variant.
Coding change: c.1063G>A on transcript NM_001357.5 (MANE Select); coding-DNA position 1063, G replaced by A.
Protein change: p.Ala355Thr; replaces alanine 355 with threonine.
Molecular consequence: missense variant. On other transcripts: non-coding transcript variant (1).
Genome position (GRCh38, 1-based): chr1:182,859,040, G>A. VCF-style: chr1-182859040-G-A. GRCh37 (hg19) VCF-style: chr1-182828175-G-A.
Other names: c.1063G>A (NM_001357.4); short protein forms A355T.
Identifiers: ClinVar variation 3682985 (VCV003682985.3).
Genomic context (GRCh38, chr1:182,859,040, plus strand): 5'-ATTTATTTTGAAGCTGAATTATGTGCTTTTGTTTGACTATGTTGGCTTTTTGTTTTACAG[G>A]CTACTCCAGAGCAAATAAGCATGGACCTCAAGAATGAATTGATGTACCAGTTGGAACAGG-3'
Protein context (NP_001348.2, residues 345-365): SNIDEGPLAF[Ala355Thr]TPEQISMDLK